The following is an entry in ClinVar:

ClinVar aggregate classification (germline): Uncertain significance. Review status: criteria provided, multiple submitters, no conflicts (2 of 4 stars). 2 submissions from 2 submitters: Uncertain significance (2). Last evaluated 2026-04-15.

Conditions:
Inborn genetic diseases. Identifiers: MedGen C0950123, MeSH D030342.

Allele frequency attached by ClinVar (database versions not stated): gnomAD 0.00006; TOPMed 0.00006; gnomAD exomes below 0.00001; ExAC 0.00003.
gnomAD v4.1: 15 of 1,613,022 alleles (0.00093%); highest among the groups gnomAD compares: African/African-American, 0.017%; no homozygotes.

Submissions (2):

Ambry Genetics
Classification: Uncertain significance for Inborn genetic diseases. Last evaluated: 2026-04-15. Review status: criteria provided, single submitter. Criteria: Ambry Variant Classification Scheme 2023. Collection method: clinical testing. Allele origin: germline.

Labcorp Genetics (formerly Invitae), Labcorp
Classification: Uncertain significance. Last evaluated: 2022-07-16. Review status: criteria provided, single submitter. Criteria: Invitae Variant Classification Sherloc (09022015). Collection method: clinical testing. Allele origin: germline.
Comment: This sequence change replaces alanine, which is neutral and non-polar, with threonine, which is neutral and polar, at codon 2207 of the SPEG protein (p.Ala2207Thr). This variant is present in population databases (rs758800632, gnomAD 0.02%). This variant has not been reported in the literature in individuals affected with SPEG-related conditions. Algorithms developed to predict the effect of missense changes on protein structure and function output the following: SIFT: "Tolerated"; PolyPhen-2: "Benign"; Align-GVGD: "Class C0". The threonine amino acid residue is found in multiple mammalian species, which suggests that this missense change does not adversely affect protein function. In summary, the available evidence is currently insufficient to determine the role of this variant in disease. Therefore, it has been classified as a Variant of Uncertain Significance.

NM_005876.5(SPEG):c.6619G>A (p.Ala2207Thr)

Genes: ASIC4-AS1 (ASIC4 antisense RNA 1; minus strand), SPEG (striated muscle enriched protein kinase; plus strand). Cytogenetic location: 2q35.
Variant type: single nucleotide variant.
Coding change: c.6619G>A on transcript NM_005876.5 (MANE Select); coding-DNA position 6619, G replaced by A.
Protein change: p.Ala2207Thr; replaces alanine 2207 with threonine.
Molecular consequence: missense variant.
Genome position (GRCh38, 1-based): chr2:219,484,082, G>A. VCF-style: chr2-219484082-G-A. GRCh37 (hg19) VCF-style: chr2-220348804-G-A.
Other names: c.6619G>A (NM_005876.4); short protein forms A2207T.
Identifiers: ClinVar variation 2421446 (VCV002421446.4), dbSNP rs758800632, ClinGen allele CA2127067.
Genomic context (GRCh38, chr2:219,484,082, plus strand): 5'-AGTACCCCTAAGTCTGCAGAACCTTCTGCCACCACACCTAGTGATGCTCCGCAGCCCCCC[G>A]CACCCCAGCCTGCCCAAGACAAGGCTCCAGAGCCCAGGCCAGAACCAGTCCGAGCCTCCA-3'
Protein context (NP_005867.3, residues 2197-2217): TTPSDAPQPP[Ala2207Thr]PQPAQDKAPE